The following is an entry in ClinVar:

ClinVar aggregate classification (germline): Uncertain significance (1 of 4 stars; one submission).

Conditions:
Sulfite oxidase deficiency. Also called: Isolated sulfite oxidase deficiency. Identifiers: Orphanet 833, Orphanet 99731, MedGen C0268624, MONDO:0010089, OMIM 272300, HP:0003643.

Submission:

Labcorp Genetics (formerly Invitae), Labcorp
Classification: Uncertain significance for Sulfite oxidase deficiency. Last evaluated: 2022-03-22. Review status: criteria provided, single submitter. Criteria: Invitae Variant Classification Sherloc (09022015). Collection method: clinical testing. Allele origin: germline.
Comment: This sequence change replaces aspartic acid, which is acidic and polar, with histidine, which is basic and polar, at codon 476 of the SUOX protein (p.Asp476His). This variant is not present in population databases (gnomAD no frequency). This variant has not been reported in the literature in individuals affected with SUOX-related conditions. Algorithms developed to predict the effect of missense changes on protein structure and function output the following: SIFT: "Deleterious"; PolyPhen-2: "Benign"; Align-GVGD: "Class C0". The histidine amino acid residue is found in multiple mammalian species, which suggests that this missense change does not adversely affect protein function. In summary, the available evidence is currently insufficient to determine the role of this variant in disease. Therefore, it has been classified as a Variant of Uncertain Significance.

NM_001032386.2(SUOX):c.1426G>C (p.Asp476His)

Gene: SUOX (sulfite oxidase; plus strand). Cytogenetic location: 12q13.2.
Variant type: single nucleotide variant.
Coding change: c.1426G>C on transcript NM_001032386.2 (MANE Select); coding-DNA position 1426, G replaced by C.
Protein change: p.Asp476His; replaces aspartic acid 476 with histidine.
Molecular consequence: missense variant.
Genome position (GRCh38, 1-based): chr12:56,004,815, G>C. VCF-style: chr12-56004815-G-C. GRCh37 (hg19) VCF-style: chr12-56398599-G-C.
Other names: c.1426G>C, p.Asp476His (NM_000456.3, NM_001032387.2); short protein forms D476H.
Identifiers: ClinVar variation 2082816 (VCV002082816.1), dbSNP rs368242125, ClinGen allele CA385294724.
Genomic context (GRCh38, chr12:56,004,815, plus strand): 5'-GCTGTGATCCGGGTGGATGTGTCTCTGGATGGGGGCCTAACCTGGCAGGTGGCTAAGCTG[G>C]ATGGAGAGGAACAGCGCCCCAGGAAGGCCTGGGCATGGCGTCTGTGGCAGTTGAAAGCCC-3'
Protein context (NP_001027558.1, residues 466-486): GGLTWQVAKL[Asp476His]GEEQRPRKAW